The following is an entry in ClinVar:

NM_001099271.2(POC5):c.878A>G (p.Gln293Arg)

Gene: POC5 (POC5 centriolar protein; minus strand). Cytogenetic location: 5q13.3.
Variant type: single nucleotide variant.
Coding change: c.878A>G on transcript NM_001099271.2 (MANE Select); coding-DNA position 878, A replaced by G.
Protein change: p.Gln293Arg; replaces glutamine 293 with arginine.
Molecular consequence: missense variant.
Genome position (GRCh38, 1-based): chr5:75,690,480, T>C on the plus strand (A>G on the coding strand, the complement: POC5 is on the minus strand). VCF-style: chr5-75690480-T-C. GRCh37 (hg19) VCF-style: chr5-74986305-T-C.
Other names: c.803A>G, p.Gln268Arg (NM_152408.3); short protein forms Q268R, Q293R.
Identifiers: ClinVar variation 1995690 (VCV001995690.4), dbSNP rs1417367111, ClinGen allele CA360146471.

ClinVar aggregate classification (germline): Uncertain significance (1 of 4 stars; one submission).

Allele frequency attached by ClinVar (database versions not stated): gnomAD exomes 0.00001.
gnomAD v4.1: 16 of 1,610,442 alleles (0.00099%); highest among the groups gnomAD compares: Non-Finnish European, 0.0013%; no homozygotes.

Submission:

Labcorp Genetics (formerly Invitae), Labcorp
Classification: Uncertain significance. Last evaluated: 2022-06-09. Review status: criteria provided, single submitter. Criteria: Invitae Variant Classification Sherloc (09022015). Collection method: clinical testing. Allele origin: germline.
Comment: In summary, the available evidence is currently insufficient to determine the role of this variant in disease. Therefore, it has been classified as a Variant of Uncertain Significance. Algorithms developed to predict the effect of missense changes on protein structure and function are either unavailable or do not agree on the potential impact of this missense change (SIFT: "Not Available"; PolyPhen-2: "Possibly Damaging"; Align-GVGD: "Not Available"). This variant has not been reported in the literature in individuals affected with POC5-related conditions. This variant is present in population databases (no rsID available, gnomAD 0.0009%). This sequence change replaces glutamine, which is neutral and polar, with arginine, which is basic and polar, at codon 293 of the POC5 protein (p.Gln293Arg).